The following is an entry in ClinVar:

ClinVar aggregate classification (germline): Uncertain significance (1 of 4 stars; one submission).

Allele frequency attached by ClinVar (database versions not stated): gnomAD exomes below 0.00001.
gnomAD v4.1: 4 of 1,613,414 alleles (0.00025%); highest among the groups gnomAD compares: Non-Finnish European, 0.00034%; no homozygotes.

Submission:

GeneDx
Classification: Uncertain significance. Last evaluated: 2021-01-12. Review status: criteria provided, single submitter. Criteria: GeneDx Variant Classification Process June 2021. Collection method: clinical testing. Allele origin: germline. Affected: yes.
Comment: Not observed in large population cohorts (Lek et al., 2016); In silico analysis supports a deleterious effect on splicing; Has not been previously published as pathogenic or benign to our knowledge

NM_003106.4(SOX2):c.814G>A (p.Asp272Asn)

Genes: SOX2 (SRY-box transcription factor 2; plus strand), SOX2-OT (SOX2 overlapping transcript; plus strand). Cytogenetic location: 3q26.33.
Variant type: single nucleotide variant.
Coding change: c.814G>A on transcript NM_003106.4 (MANE Select); coding-DNA position 814, G replaced by A.
Protein change: p.Asp272Asn; replaces aspartic acid 272 with asparagine.
Molecular consequence: missense variant.
Genome position (GRCh38, 1-based): chr3:181,713,174, G>A. VCF-style: chr3-181713174-G-A. GRCh37 (hg19) VCF-style: chr3-181430962-G-A.
Other names: short protein forms D272N.
Identifiers: ClinVar variation 1302376 (VCV001302376.2), dbSNP rs2108523513, ClinGen allele CA355474706.